The following is an entry in ClinVar:

ClinVar aggregate classification (germline): Uncertain significance. Review status: criteria provided, multiple submitters, no conflicts (2 of 4 stars). 2 submissions from 2 submitters: Uncertain significance (2). Last evaluated 2024-11-20.

Conditions:
Inborn genetic diseases. Identifiers: MedGen C0950123, MeSH D030342.

Allele frequency attached by ClinVar (database versions not stated): ExAC 0.00001; gnomAD 0.00001; gnomAD exomes 0.00001; TOPMed 0.00002.
gnomAD v4.1: 14 of 1,614,058 alleles (0.00087%); highest among the groups gnomAD compares: Non-Finnish European, 0.0011%; no homozygotes.

Submissions (2):

Ambry Genetics
Classification: Uncertain significance for Inborn genetic diseases. Last evaluated: 2024-11-20. Review status: criteria provided, single submitter. Criteria: Ambry Variant Classification Scheme 2023. Collection method: clinical testing. Allele origin: germline.

Labcorp Genetics (formerly Invitae), Labcorp
Classification: Uncertain significance. Last evaluated: 2022-08-17. Review status: criteria provided, single submitter. Criteria: Invitae Variant Classification Sherloc (09022015). Collection method: clinical testing. Allele origin: germline.
Comment: This sequence change replaces isoleucine, which is neutral and non-polar, with valine, which is neutral and non-polar, at codon 231 of the LAMA1 protein (p.Ile231Val). In summary, the available evidence is currently insufficient to determine the role of this variant in disease. Therefore, it has been classified as a Variant of Uncertain Significance. Algorithms developed to predict the effect of missense changes on protein structure and function are either unavailable or do not agree on the potential impact of this missense change (SIFT: "Tolerated"; PolyPhen-2: "Possibly Damaging"; Align-GVGD: "Class C0"). This variant has not been reported in the literature in individuals affected with LAMA1-related conditions. This variant is present in population databases (rs754973098, gnomAD 0.002%).

NM_005559.4(LAMA1):c.691A>G (p.Ile231Val)

Gene: LAMA1 (laminin subunit alpha 1; minus strand). Cytogenetic location: 18p11.31.
Variant type: single nucleotide variant.
Coding change: c.691A>G on transcript NM_005559.4 (MANE Select); coding-DNA position 691, A replaced by G.
Protein change: p.Ile231Val; replaces isoleucine 231 with valine.
Molecular consequence: missense variant.
Genome position (GRCh38, 1-based): chr18:7,049,155, T>C on the plus strand (A>G on the coding strand, the complement: LAMA1 is on the minus strand). VCF-style: chr18-7049155-T-C. GRCh37 (hg19) VCF-style: chr18-7049154-T-C.
Other names: c.691A>G (NM_005559.3); short protein forms I231V.
Identifiers: ClinVar variation 1938140 (VCV001938140.6), dbSNP rs754973098, ClinGen allele CA8883221.
Genomic context (GRCh38, chr18:7,049,155, plus strand): 5'-GATCCAGTTCTTTAGGTTCCCGGTGGCTAAGGGTCATGAGATCTGCATTGAGCGTTCTAA[T>C]GCGTTGCAAGCGAAGGCGAATATATCGTGCAGAAGTGAATTCCAACAACTTGGGTGAAAG-3'
Protein context (NP_005550.2, residues 221-241): ARYIRLRLQR[Ile231Val]RTLNADLMTL